The following is an entry in ClinVar:

ClinVar aggregate classification (germline): Likely benign. Review status: criteria provided, multiple submitters, no conflicts (2 of 4 stars). 7 submissions from 7 submitters: Likely benign (3). 4 of the submissions do not count toward it. Last evaluated 2026-01-26.

Conditions:
Hypertrophic cardiomyopathy 14. Identifiers: MedGen C2750467, MONDO:0013197, OMIM 613251.
Cardiovascular phenotype. Identifiers: MedGen CN230736.
MYH6-related disorder. Also called: MYH6-Related Disorders; MYH6-related condition.

Allele frequency attached by ClinVar (database versions not stated): gnomAD exomes below 0.00001 and 0.00001; TOPMed 0.00002; gnomAD 0.00004 and 0.00005.
gnomAD v4.1: 35 of 1,614,240 alleles (0.0022%); highest among the groups gnomAD compares: Admixed American, 0.012%; no homozygotes.

Submissions (7):

Labcorp Genetics (formerly Invitae), Labcorp
Classification: Likely benign for Hypertrophic cardiomyopathy 14. Last evaluated: 2026-01-26. Review status: criteria provided, single submitter. Criteria: Invitae Variant Classification Sherloc (09022015). Collection method: clinical testing. Allele origin: germline.

Blueprint Genetics
Classification: Likely benign. Last evaluated: 2024-11-27. Review status: criteria provided, single submitter. Criteria: ACMG Guidelines, 2015. Collection method: clinical testing. Allele origin: germline.

Ambry Genetics
Classification: Likely benign for Cardiovascular phenotype. Last evaluated: 2021-07-19. Review status: criteria provided, single submitter. Criteria: Ambry Variant Classification Scheme 2023. Collection method: clinical testing. Allele origin: germline.

PreventionGenetics, part of Exact Sciences
Classification: Likely benign for MYH6-related condition. Last evaluated: 2020-11-14. Review status: no assertion criteria provided. Collection method: clinical testing. Allele origin: germline. Not counted in ClinVar's aggregate classification.
Comment: This variant is classified as likely benign based on ACMG/AMP sequence variant interpretation guidelines (Richards et al. 2015 PMID: 25741868, with internal and published modifications).

Clinical Genetics DNA and cytogenetics Diagnostics Lab, Erasmus MC, Erasmus Medical Center
Classification: Likely benign. Review status: no assertion criteria provided. Collection method: clinical testing. Allele origin: germline. Affected: yes. Study: VKGL Data-share Consensus. Not counted in ClinVar's aggregate classification.

Clinical Genetics, Academic Medical Center
Classification: Benign. Review status: no assertion criteria provided. Collection method: clinical testing. Allele origin: germline. Affected: yes. Study: VKGL Data-share Consensus. Not counted in ClinVar's aggregate classification.

Joint Genome Diagnostic Labs from Nijmegen and Maastricht, Radboudumc and MUMC+
Classification: Likely benign. Review status: no assertion criteria provided. Collection method: clinical testing. Allele origin: germline. Affected: yes. Study: VKGL Data-share Consensus. Not counted in ClinVar's aggregate classification.

NM_002471.4(MYH6):c.1381C>T (p.Leu461=)

Gene: MYH6 (myosin heavy chain 6; minus strand). Cytogenetic location: 14q11.2.
Variant type: single nucleotide variant.
Coding change: c.1381C>T on transcript NM_002471.4 (MANE Select); coding-DNA position 1381, C replaced by T.
Protein change: p.Leu461=; no amino-acid change (leucine 461 retained).
Molecular consequence: synonymous variant.
Genome position (GRCh38, 1-based): chr14:23,400,738, G>A on the plus strand (C>T on the coding strand, the complement: MYH6 is on the minus strand). VCF-style: chr14-23400738-G-A. GRCh37 (hg19) VCF-style: chr14-23869947-G-A.
Identifiers: ClinVar variation 470507 (VCV000470507.19), dbSNP rs368609214, ClinGen allele CA257793735.